The following is an entry in ClinVar:

ClinVar aggregate classification (germline): Uncertain significance (1 of 4 stars; one submission).

gnomAD v4.1: 9 of 1,479,104 alleles (0.00061%); highest among the groups gnomAD compares: African/African-American, 0.0072%; no homozygotes.

Submission:

Labcorp Genetics (formerly Invitae), Labcorp
Classification: Uncertain significance. Last evaluated: 2025-07-02. Review status: criteria provided, single submitter. Criteria: Invitae Variant Classification Sherloc (09022015). Collection method: clinical testing. Allele origin: germline.
Comment: This sequence change replaces arginine, which is basic and polar, with cysteine, which is neutral and slightly polar, at codon 44 of the KL protein (p.Arg44Cys). This variant is present in population databases (no rsID available, gnomAD 0.02%). This variant has not been reported in the literature in individuals affected with KL-related conditions. Invitae Evidence Modeling of protein sequence and biophysical properties (such as structural, functional, and spatial information, amino acid conservation, physicochemical variation, residue mobility, and thermodynamic stability) has been performed for this missense variant. However, the output from this modeling did not meet the statistical confidence thresholds required to predict the impact of this variant on KL protein function. In summary, the available evidence is currently insufficient to determine the role of this variant in disease. Therefore, it has been classified as a Variant of Uncertain Significance.

NM_004795.4(KL):c.130C>T (p.Arg44Cys)

Gene: KL (klotho; plus strand). Cytogenetic location: 13q13.1.
Variant type: single nucleotide variant.
Coding change: c.130C>T on transcript NM_004795.4 (MANE Select); coding-DNA position 130, C replaced by T.
Protein change: p.Arg44Cys; replaces arginine 44 with cysteine.
Molecular consequence: missense variant.
Genome position (GRCh38, 1-based): chr13:33,016,570, C>T. VCF-style: chr13-33016570-C-T. GRCh37 (hg19) VCF-style: chr13-33590708-C-T.
Other names: short protein forms R44C.
Identifiers: ClinVar variation 4699503 (VCV004699503.1).